The following is an entry in ClinVar:

ClinVar aggregate classification (germline): Uncertain significance. Review status: criteria provided, multiple submitters, no conflicts (2 of 4 stars). 2 submissions from 2 submitters: Uncertain significance (2). Last evaluated 2022-07-20.

Conditions:
Inborn genetic diseases. Identifiers: MedGen C0950123, MeSH D030342.
Congenital sideroblastic anemia-B-cell immunodeficiency-periodic fever-developmental delay syndrome. Also called: Sideroblastic anemia with B-cell immunodeficiency, periodic fevers, and developmental delay. Identifiers: Orphanet 369861, MedGen C4015172, MONDO:0014487, OMIM 616084.

Allele frequency attached by ClinVar (database versions not stated): ExAC 0.00002; gnomAD exomes 0.00002; gnomAD 0.00006 and 0.00007; TOPMed 0.00006; ESP Exome Variant Server 0.00015.
gnomAD v4.1: 36 of 1,613,966 alleles (0.0022%); highest among the groups gnomAD compares: African/African-American, 0.012%; no homozygotes.

Submissions (2):

Labcorp Genetics (formerly Invitae), Labcorp
Classification: Uncertain significance for Congenital sideroblastic anemia-B-cell immunodeficiency-periodic fever-developmental delay syndrome. Last evaluated: 2022-07-20. Review status: criteria provided, single submitter. Criteria: Invitae Variant Classification Sherloc (09022015). Collection method: clinical testing. Allele origin: germline.
Comment: This sequence change replaces lysine, which is basic and polar, with glutamic acid, which is acidic and polar, at codon 228 of the TRNT1 protein (p.Lys228Glu). This variant is present in population databases (rs372627156, gnomAD 0.02%). This variant has not been reported in the literature in individuals affected with TRNT1-related conditions. ClinVar contains an entry for this variant (Variation ID: 1045153). Algorithms developed to predict the effect of missense changes on protein structure and function (SIFT, PolyPhen-2, Align-GVGD) all suggest that this variant is likely to be tolerated. In summary, the available evidence is currently insufficient to determine the role of this variant in disease. Therefore, it has been classified as a Variant of Uncertain Significance.

Ambry Genetics
Classification: Uncertain significance for Inborn genetic diseases. Last evaluated: 2021-06-30. Review status: criteria provided, single submitter. Criteria: Ambry Variant Classification Scheme 2023. Collection method: clinical testing. Allele origin: germline.

NM_182916.3(TRNT1):c.682A>G (p.Lys228Glu)

Gene: TRNT1 (tRNA nucleotidyl transferase 1; plus strand). Cytogenetic location: 3p26.2.
Variant type: single nucleotide variant.
Coding change: c.682A>G on transcript NM_182916.3 (MANE Select); coding-DNA position 682, A replaced by G.
Protein change: p.Lys228Glu; replaces lysine 228 with glutamic acid.
Molecular consequence: missense variant. On other transcripts: non-coding transcript variant (6).
Genome position (GRCh38, 1-based): chr3:3,146,503, A>G. VCF-style: chr3-3146503-A-G. GRCh37 (hg19) VCF-style: chr3-3188187-A-G.
Other names: c.682A>G, p.Lys228Glu (NM_001302946.2, NM_001367321.1, NM_001367322.1 and 1 more transcripts); c.682A>G (NM_182916.2); short protein forms K228E.
Identifiers: ClinVar variation 1045153 (VCV001045153.4), dbSNP rs372627156, ClinGen allele CA2228753.